The following is an entry in ClinVar:

NM_003900.5(SQSTM1):c.1104C>A (p.Asp368Glu)

Gene: SQSTM1 (sequestosome 1; plus strand). Cytogenetic location: 5q35.3.
Variant type: single nucleotide variant.
Coding change: c.1104C>A on transcript NM_003900.5 (MANE Select); coding-DNA position 1104, C replaced by A.
Protein change: p.Asp368Glu; replaces aspartic acid 368 with glutamic acid.
Molecular consequence: missense variant.
Genome position (GRCh38, 1-based): chr5:179,833,721, C>A. VCF-style: chr5-179833721-C-A. GRCh37 (hg19) VCF-style: chr5-179260721-C-A.
Other names: c.852C>A, p.Asp284Glu (NM_001142298.2, NM_001142299.2); short protein forms D284E, D368E.
Identifiers: ClinVar variation 1719509 (VCV001719509.5), dbSNP rs750140541, ClinGen allele CA362452917.

ClinVar aggregate classification (germline): Uncertain significance (1 of 4 stars; one submission).

Conditions:
Frontotemporal dementia and/or amyotrophic lateral sclerosis 1 (FTDALS1). Also called: C9orf72 Frontotemporal Dementia and/or Amyotrophic Lateral Sclerosis; Frontotemporal dementia with motor neuron disease 1. Identifiers: Orphanet 275872, MedGen C5779877, MONDO:0007105, OMIM 105550.
Paget disease of bone 2, early-onset (PDB2). Also called: Paget disease of bone 2. Identifiers: MedGen C4085251, MONDO:0011183, OMIM 602080.

gnomAD v4.1: 1 of 1,614,134 alleles (0.000062%); highest among the groups gnomAD compares: East Asian, 0.0022%; no homozygotes.

Submission:

Labcorp Genetics (formerly Invitae), Labcorp
Classification: Uncertain significance for Paget disease of bone 2, early-onset; Frontotemporal dementia and/or amyotrophic lateral sclerosis 1. Last evaluated: 2022-10-01. Review status: criteria provided, single submitter. Criteria: Invitae Variant Classification Sherloc (09022015). Collection method: clinical testing. Allele origin: germline.
Comment: This sequence change replaces aspartic acid, which is acidic and polar, with glutamic acid, which is acidic and polar, at codon 368 of the SQSTM1 protein (p.Asp368Glu). This variant is not present in population databases (gnomAD no frequency). This variant has not been reported in the literature in individuals affected with SQSTM1-related conditions. Advanced modeling of protein sequence and biophysical properties (such as structural, functional, and spatial information, amino acid conservation, physicochemical variation, residue mobility, and thermodynamic stability) performed at Invitae indicates that this missense variant is not expected to disrupt SQSTM1 protein function. In summary, the available evidence is currently insufficient to determine the role of this variant in disease. Therefore, it has been classified as a Variant of Uncertain Significance.